The following is an entry in ClinVar:

ClinVar aggregate classification (germline): Likely pathogenic (1 of 4 stars; one submission).

Submission:

GeneDx
Classification: Likely pathogenic. Last evaluated: 2017-04-14. Review status: criteria provided, single submitter. Criteria: GeneDx Variant Classification (06012015). Collection method: clinical testing. Allele origin: germline. Affected: yes.
Comment: The c.398delC variant in the ALX4 gene has not been reported previously as a pathogenic variant nor as a benign variant, to our knowledge. The c.398delC variant causes a frameshift starting with codon Proline 133, changes this amino acid to an Arginine residue, and creates a premature Stop codon at position 48 of the new reading frame, denoted p.Pro133ArgfsX48. This variant is predicted to cause loss of normal protein function either through protein truncation or nonsense-mediated mRNA decay. The c.398delC variant is not observed in large population cohorts (Lek et al., 2016; 1000 Genomes Consortium et al., 2015; Exome Variant Server). We interpret c.398delC as a likely pathogenic variant.

NM_021926.4(ALX4):c.398del (p.Pro133fs)

Gene: ALX4 (ALX homeobox 4; minus strand). Cytogenetic location: 11p11.2.
Variant type: Deletion.
Coding change: c.398del on transcript NM_021926.4 (MANE Select); coding-DNA position 398, one base deleted (C; older notation c.398delC).
Protein change: p.Pro133fs; shifts the reading frame from proline 133.
Molecular consequence: frameshift variant.
Genome position (GRCh38, 1-based): chr11:44,309,665, G deleted on the plus strand (C on the coding strand, the reverse complement: ALX4 is on the minus strand); the first of 5 consecutive G bases (chr11:44,309,665-44,309,669); deleting any one gives the same sequence. VCF-style (leftmost placement, unchanged base first): chr11-44309664-CG-C. GRCh37 (hg19) VCF-style: chr11-44331214-CG-C.
Other names: c.398del, p.Pro133fs (LRG_1256t1); short protein forms P133fs.
Identifiers: ClinVar variation 426461 (VCV000426461.2), dbSNP rs1085307637, ClinGen allele CA645294066.